The following is an entry in ClinVar:

NM_001145678.3(KIAA0825):c.2247-2A>G

Gene: KIAA0825 (KIAA0825; minus strand). Cytogenetic location: 5q15.
Variant type: single nucleotide variant.
Coding change: c.2247-2A>G on transcript NM_001145678.3 (MANE Select); the canonical splice acceptor site of the intron before coding-DNA position 2247, A replaced by G.
Molecular consequence: splice acceptor variant.
Genome position (GRCh38, 1-based): chr5:94,453,071, T>C on the plus strand (A>G on the coding strand, the complement: KIAA0825 is on the minus strand). VCF-style: chr5-94453071-T-C. GRCh37 (hg19) VCF-style: chr5-93788776-T-C.
Other names: c.2247-2A>G (NM_001388325.1, NM_001385712.1, NM_001385713.1).
Identifiers: ClinVar variation 4852526 (VCV004852526.1).

ClinVar aggregate classification (germline): Likely pathogenic (0 of 4 stars; one submission).

Conditions:
Polydactyly, postaxial, type a10. Identifiers: MedGen C5193129, MONDO:0032785, OMIM 618498.

gnomAD v4.1: 4 of 1,446,582 alleles (0.00028%); highest among the groups gnomAD compares: Non-Finnish European, 0.00037%; no homozygotes.

Submission:

Medical Genetics Center, Maternal and Child Health Hospital of Hubei Province
Classification: Likely pathogenic for Polydactyly, postaxial, type a10. Last evaluated: 2026-05-14. Review status: no assertion criteria provided. Collection method: clinical testing. Allele origin: maternal. Affected: yes.
Comment: PVS1_Strong+PM2_Supporting+PP4

Literature cited by the submitters: PubMed 35886013.